The following is an entry in ClinVar:

NM_004006.3(DMD):c.8371A>G (p.Lys2791Glu)

Gene: DMD (dystrophin; minus strand). Cytogenetic location: Xp21.1.
Variant type: single nucleotide variant.
Coding change: c.8371A>G on transcript NM_004006.3 (MANE Select); coding-DNA position 8371, A replaced by G.
Protein change: p.Lys2791Glu; replaces lysine 2791 with glutamic acid.
Molecular consequence: missense variant.
Genome position (GRCh38, 1-based): chrX:31,507,300, T>C on the plus strand (A>G on the coding strand, the complement: DMD is on the minus strand). VCF-style: chrX-31507300-T-C. GRCh37 (hg19) VCF-style: chrX-31525417-T-C.
Other names: c.8347A>G, p.Lys2783Glu (NM_000109.4); c.8359A>G, p.Lys2787Glu (NM_004009.3); c.8002A>G, p.Lys2668Glu (NM_004010.3); c.4348A>G, p.Lys1450Glu (NM_004011.4); c.4339A>G, p.Lys1447Glu (NM_004012.4); c.991A>G, p.Lys331Glu (NM_004013.3, NM_004020.4, NM_004021.3 and 2 more transcripts); c.184A>G, p.Lys62Glu (NM_004014.3); short protein forms K2668E, K2787E, K1450E, K2791E, K331E, K62E, K1447E, K2783E.
Identifiers: ClinVar variation 3671145 (VCV003671145.2).

ClinVar aggregate classification (germline): Uncertain significance (1 of 4 stars; one submission).

Conditions:
Duchenne muscular dystrophy (DMD). Also called: MUSCULAR DYSTROPHY, PSEUDOHYPERTROPHIC PROGRESSIVE, DUCHENNE TYPE; Duchenne Muscular Dystrophy (DMD). Identifiers: Orphanet 98896, MedGen C0013264, MONDO:0010679, OMIM 310200.

Submission:

Labcorp Genetics (formerly Invitae), Labcorp
Classification: Uncertain significance for Duchenne muscular dystrophy. Last evaluated: 2024-09-29. Review status: criteria provided, single submitter. Criteria: Invitae Variant Classification Sherloc (09022015). Collection method: clinical testing. Allele origin: germline.
Comment: This sequence change replaces lysine, which is basic and polar, with glutamic acid, which is acidic and polar, at codon 2791 of the DMD protein (p.Lys2791Glu). This variant is not present in population databases (gnomAD no frequency). This variant has not been reported in the literature in individuals affected with DMD-related conditions. Invitae Evidence Modeling of protein sequence and biophysical properties (such as structural, functional, and spatial information, amino acid conservation, physicochemical variation, residue mobility, and thermodynamic stability) indicates that this missense variant is not expected to disrupt DMD protein function with a negative predictive value of 95%. In summary, the available evidence is currently insufficient to determine the role of this variant in disease. Therefore, it has been classified as a Variant of Uncertain Significance.